The following is an entry in ClinVar:

ClinVar aggregate classification (germline): Likely benign (1 of 4 stars; one submission).

Conditions:
Wilson disease (WND). Also called: Wilson's disease. Identifiers: Orphanet 905, MedGen C0019202, MONDO:0010200, OMIM 277900. Disease mechanism: loss of function.

gnomAD v4.1: 146 of 152,196 alleles (0.096%); highest among the groups gnomAD compares: Middle Eastern, 1%; 1 homozygote.

Submission:

Lildballe Lab, Aarhus University Hospital
Classification: Likely benign for Wilson disease. Last evaluated: 2024-08-29. Review status: criteria provided, single submitter. Criteria: ACMG Guidelines, 2015. Collection method: clinical testing. Allele origin: germline. Affected: yes.
Comment: PM2, BP4

NM_000053.4(ATP7B):c.1285+1317C>A

Gene: ATP7B (ATPase copper transporting beta; minus strand). Cytogenetic location: 13q14.3.
Variant type: single nucleotide variant.
Coding change: c.1285+1317C>A on transcript NM_000053.4 (MANE Select); 1317 bases into the intron after coding-DNA position 1285, C replaced by A.
Molecular consequence: intron variant.
Genome position (GRCh38, 1-based): chr13:51,972,618, G>T on the plus strand (C>A on the coding strand, the complement: ATP7B is on the minus strand). VCF-style: chr13-51972618-G-T. GRCh37 (hg19) VCF-style: chr13-52546754-G-T.
Other names: c.1285+1317C>A (NM_001406512.1, NM_001406532.1, NM_001406548.1 and 29 more transcripts); c.952+1317C>A (NM_001243182.2); c.1189+1317C>A (NM_001406518.1, NM_001406544.1, NM_001406536.1 and 3 more transcripts); c.856+1317C>A (NM_001406539.1).
Identifiers: ClinVar variation 4540619 (VCV004540619.1).